The following is an entry in ClinVar:

ClinVar aggregate classification (germline): Pathogenic/Likely pathogenic. Review status: criteria provided, multiple submitters, no conflicts (2 of 4 stars). 2 submissions from 2 submitters: Pathogenic (1); Likely pathogenic (1). Last evaluated 2022-11-29.

Conditions:
Neurodevelopmental disorder with hypotonia, stereotypic hand movements, and impaired language. Also called: Intellectual disability, autosomal dominant 20. Identifiers: Orphanet 228384, Orphanet 664410, MedGen C3150700, MONDO:0013266, OMIM 613443.

Submissions (2):

Labcorp Genetics (formerly Invitae), Labcorp
Classification: Pathogenic for Neurodevelopmental disorder with hypotonia, stereotypic hand movements, and impaired language. Last evaluated: 2022-11-29. Review status: criteria provided, single submitter. Criteria: Invitae Variant Classification Sherloc (09022015). Collection method: clinical testing. Allele origin: germline.
Comment: For these reasons, this variant has been classified as Pathogenic. This sequence change replaces leucine, which is neutral and non-polar, with proline, which is neutral and non-polar, at codon 35 of the MEF2C protein (p.Leu35Pro). This variant is not present in population databases (gnomAD no frequency). This missense change has been observed in individual(s) with syndromic intellectual disability (PMID: 29159939). In at least one individual the variant was observed to be de novo. ClinVar contains an entry for this variant (Variation ID: 1685375). Advanced modeling of protein sequence and biophysical properties (such as structural, functional, and spatial information, amino acid conservation, physicochemical variation, residue mobility, and thermodynamic stability) performed at Invitae indicates that this missense variant is expected to disrupt MEF2C protein function.

Mendelics
Classification: Likely pathogenic for Neurodevelopmental disorder with hypotonia, stereotypic hand movements, and impaired language. Last evaluated: 2022-05-04. Review status: criteria provided, single submitter. Criteria: Mendelics Assertion Criteria 2019. Collection method: clinical testing. Allele origin: germline.

Literature cited by the submitters: PubMed 29159939 (cited by Labcorp Genetics (formerly Invitae), Labcorp).

NM_002397.5(MEF2C):c.104T>C (p.Leu35Pro)

Gene: MEF2C (myocyte enhancer factor 2C; minus strand). Cytogenetic location: 5q14.3.
Variant type: single nucleotide variant.
Coding change: c.104T>C on transcript NM_002397.5 (MANE Select); coding-DNA position 104, T replaced by C.
Protein change: p.Leu35Pro; replaces leucine 35 with proline.
Molecular consequence: missense variant.
Genome position (GRCh38, 1-based): chr5:88,804,752, A>G on the plus strand (T>C on the coding strand, the complement: MEF2C is on the minus strand). VCF-style: chr5-88804752-A-G. GRCh37 (hg19) VCF-style: chr5-88100569-A-G.
Other names: c.104T>C, p.Leu35Pro (NM_001131005.2, NM_001193347.1, NM_001193348.1 and 29 more transcripts); short protein forms L35P.
Identifiers: ClinVar variation 1685375 (VCV001685375.6), dbSNP rs2153074771, ClinGen allele CA360425113.